The following is an entry in ClinVar:

ClinVar aggregate classification (germline): Uncertain significance. Review status: criteria provided, multiple submitters, no conflicts (2 of 4 stars). 2 submissions from 2 submitters: Uncertain significance (2). Last evaluated 2024-07-15.

Conditions:
Hereditary cancer-predisposing syndrome. Also called: Neoplastic Syndromes, Hereditary; Hereditary Cancer Syndrome; Tumor predisposition; Hereditary neoplastic syndrome. Identifiers: Orphanet 140162, MedGen C0027672, MeSH D009386, MONDO:0015356.

Submissions (2):

Labcorp Genetics (formerly Invitae), Labcorp
Classification: Uncertain significance. Last evaluated: 2024-07-15. Review status: criteria provided, single submitter. Criteria: Invitae Variant Classification Sherloc (09022015). Collection method: clinical testing. Allele origin: germline.
Comment: This sequence change replaces glutamic acid, which is acidic and polar, with glutamine, which is neutral and polar, at codon 2272 of the POLE protein (p.Glu2272Gln). This variant is not present in population databases (gnomAD no frequency). This variant has not been reported in the literature in individuals affected with POLE-related conditions. ClinVar contains an entry for this variant (Variation ID: 1472300). Advanced modeling of protein sequence and biophysical properties (such as structural, functional, and spatial information, amino acid conservation, physicochemical variation, residue mobility, and thermodynamic stability) performed at Invitae indicates that this missense variant is not expected to disrupt POLE protein function with a negative predictive value of 80%. In summary, the available evidence is currently insufficient to determine the role of this variant in disease. Therefore, it has been classified as a Variant of Uncertain Significance.

Ambry Genetics
Classification: Uncertain significance for Hereditary cancer-predisposing syndrome. Last evaluated: 2023-03-30. Review status: criteria provided, single submitter. Criteria: Ambry Variant Classification Scheme 2023. Collection method: clinical testing. Allele origin: germline.
Comment: The p.E2272Q variant (also known as c.6814G>C), located in coding exon 49 of the POLE gene, results from a G to C substitution at nucleotide position 6814. The glutamic acid at codon 2272 is replaced by glutamine, an amino acid with highly similar properties. This amino acid position is conserved. In addition, this alteration is predicted to be tolerated by in silico analysis. Since supporting evidence is limited at this time, the clinical significance of this alteration remains unclear.

NM_006231.4(POLE):c.6814G>C (p.Glu2272Gln)

Gene: POLE (DNA polymerase epsilon, catalytic subunit; minus strand). Cytogenetic location: 12q24.33.
Variant type: single nucleotide variant.
Coding change: c.6814G>C on transcript NM_006231.4 (MANE Select); coding-DNA position 6814, G replaced by C.
Protein change: p.Glu2272Gln; replaces glutamic acid 2272 with glutamine.
Molecular consequence: missense variant.
Genome position (GRCh38, 1-based): chr12:132,624,744, C>G on the plus strand (G>C on the coding strand, the complement: POLE is on the minus strand). VCF-style: chr12-132624744-C-G. GRCh37 (hg19) VCF-style: chr12-133201330-C-G.
Other names: c.6814G>C (NM_006231.2); short protein forms E2272Q.
Identifiers: ClinVar variation 1472300 (VCV001472300.9), dbSNP rs2138421834, ClinGen allele CA387365699.